The following is an entry in ClinVar:

NM_000136.3(FANCC):c.560G>A (p.Cys187Tyr)

Genes: AOPEP (aminopeptidase O (putative); plus strand), FANCC (FA complementation group C; minus strand). Cytogenetic location: 9q22.32.
Variant type: single nucleotide variant.
Coding change: c.560G>A on transcript NM_000136.3 (MANE Select); coding-DNA position 560, G replaced by A.
Protein change: p.Cys187Tyr; replaces cysteine 187 with tyrosine.
Molecular consequence: missense variant.
Genome position (GRCh38, 1-based): chr9:95,150,049, C>T on the plus strand (G>A on the coding strand, the complement: FANCC is on the minus strand). VCF-style: chr9-95150049-C-T. GRCh37 (hg19) VCF-style: chr9-97912331-C-T.
Other names: c.560G>A, p.Cys187Tyr (NM_001243743.2, NM_001243744.2); short protein forms C187Y.
Identifiers: ClinVar variation 565345 (VCV000565345.12), dbSNP rs1239389302, ClinGen allele CA374109791.

ClinVar aggregate classification (germline): Uncertain significance. Review status: criteria provided, multiple submitters, no conflicts (2 of 4 stars). 3 submissions from 3 submitters: Uncertain significance (2). 1 of the submissions does not count toward it. Last evaluated 2023-11-13.

Conditions:
Hereditary cancer-predisposing syndrome. Also called: Hereditary neoplastic syndrome; Neoplastic Syndromes, Hereditary; Tumor predisposition; Hereditary Cancer Syndrome. Identifiers: Orphanet 140162, MedGen C0027672, MeSH D009386, MONDO:0015356.
Fanconi anemia (FA). Also called: Fanconi's anemia. Identifiers: Orphanet 84, MedGen C0015625, MeSH D005199, MONDO:0019391.

Allele frequency attached by ClinVar (database versions not stated): gnomAD exomes below 0.00001.
gnomAD v4.1: 4 of 1,614,086 alleles (0.00025%); highest among the groups gnomAD compares: Non-Finnish European, 0.00034%; no homozygotes.

Submissions (3):

Ambry Genetics
Classification: Uncertain significance for Hereditary cancer-predisposing syndrome. Last evaluated: 2023-11-13. Review status: criteria provided, single submitter. Criteria: Ambry Variant Classification Scheme 2023. Collection method: clinical testing. Allele origin: germline.
Comment: The p.C187Y variant (also known as c.560G>A), located in coding exon 6 of the FANCC gene, results from a G to A substitution at nucleotide position 560. The cysteine at codon 187 is replaced by tyrosine, an amino acid with highly dissimilar properties. This amino acid position is highly conserved in available vertebrate species. In addition, this alteration is predicted to be deleterious by in silico analysis. Since supporting evidence is limited at this time, the clinical significance of this alteration remains unclear.

Labcorp Genetics (formerly Invitae), Labcorp
Classification: Uncertain significance for Fanconi anemia. Last evaluated: 2021-08-28. Review status: criteria provided, single submitter. Criteria: Invitae Variant Classification Sherloc (09022015). Collection method: clinical testing. Allele origin: germline.
Comment: This sequence change replaces cysteine with tyrosine at codon 187 of the FANCC protein (p.Cys187Tyr). The cysteine residue is highly conserved and there is a large physicochemical difference between cysteine and tyrosine. This variant is not present in population databases (ExAC no frequency). This variant has not been reported in the literature in individuals affected with FANCC-related conditions. Algorithms developed to predict the effect of missense changes on protein structure and function (SIFT, PolyPhen-2, Align-GVGD) all suggest that this variant is likely to be disruptive. In summary, the available evidence is currently insufficient to determine the role of this variant in disease. Therefore, it has been classified as a Variant of Uncertain Significance.

Natera, Inc.
Classification: Uncertain significance for Fanconi anemia. Last evaluated: 2021-07-15. Review status: no assertion criteria provided. Collection method: clinical testing. Allele origin: germline. Not counted in ClinVar's aggregate classification.